The following is an entry in ClinVar:

NM_003126.4(SPTA1):c.542C>T (p.Ala181Val)

Gene: SPTA1 (spectrin alpha, erythrocytic 1; minus strand). Cytogenetic location: 1q23.1.
Variant type: single nucleotide variant.
Coding change: c.542C>T on transcript NM_003126.4 (MANE Select); coding-DNA position 542, C replaced by T.
Protein change: p.Ala181Val; replaces alanine 181 with valine.
Molecular consequence: missense variant.
Genome position (GRCh38, 1-based): chr1:158,680,719, G>A on the plus strand (C>T on the coding strand, the complement: SPTA1 is on the minus strand). VCF-style: chr1-158680719-G-A. GRCh37 (hg19) VCF-style: chr1-158650509-G-A.
Other names: short protein forms A181V.
Identifiers: ClinVar variation 2633765 (VCV002633765.1), dbSNP rs1365951919, ClinGen allele CA343020978.

ClinVar aggregate classification (germline): Uncertain significance (1 of 4 stars; one submission).

Conditions:
SPTA1-related disorder. Also called: SPTA1-related condition; SPTA1-related disorders.

Submission:

PreventionGenetics, part of Exact Sciences
Classification: Uncertain significance for SPTA1-related condition. Last evaluated: 2023-03-24. Review status: criteria provided, single submitter. Criteria: ACMG Guidelines, 2015. Collection method: clinical testing. Allele origin: germline.
Comment: The SPTA1 c.542C>T variant is predicted to result in the amino acid substitution p.Ala181Val. To our knowledge, this variant has not been reported in the literature or in a large population database, indicating this variant is rare. At this time, the clinical significance of this variant is uncertain due to the absence of conclusive functional and genetic evidence.